The following is an entry in ClinVar:

NM_024675.4(PALB2):c.3114-1G>A

Gene: PALB2 (partner and localizer of BRCA2; minus strand). Cytogenetic location: 16p12.2.
Variant type: single nucleotide variant.
Coding change: c.3114-1G>A on transcript NM_024675.4 (MANE Select); the canonical splice acceptor site of the intron before coding-DNA position 3114, G replaced by A.
Molecular consequence: splice acceptor variant. On other transcripts: intron variant (3).
Genome position (GRCh38, 1-based): chr16:23,614,092, C>T on the plus strand (G>A on the coding strand, the complement: PALB2 is on the minus strand). VCF-style: chr16-23614092-C-T. GRCh37 (hg19) VCF-style: chr16-23625413-C-T.
Other names: c.2228+7270G>A (NM_001407308.1, NM_001407309.1); c.2229-1G>A (NM_001407306.1, NM_001407311.1, NM_001407305.1 and 2 more transcripts); c.648-1G>A (NM_001407314.1); c.1326-1G>A (NM_001407313.1, NM_001407312.1); c.3054-1G>A (NM_001407296.1); c.3042-1G>A (NM_001407297.1); c.2952-1G>A (NM_001407302.1, NM_001407298.1); c.2835-1G>A (NM_001407300.1); and 3 more.
Identifiers: ClinVar variation 265552 (VCV000265552.22), dbSNP rs886039619, ClinGen allele CA10588602.

ClinVar aggregate classification (germline): Pathogenic/Likely pathogenic. Review status: criteria provided, multiple submitters, no conflicts (2 of 4 stars). 7 submissions from 7 submitters: Pathogenic (2); Likely pathogenic (5). Last evaluated 2025-09-13.

Conditions:
Hereditary cancer-predisposing syndrome. Also called: Neoplastic Syndromes, Hereditary; Hereditary neoplastic syndrome; Hereditary Cancer Syndrome; Tumor predisposition. Identifiers: Orphanet 140162, MedGen C0027672, MeSH D009386, MONDO:0015356.
Familial cancer of breast. Also called: hereditary breast carcinoma; BREAST CANCER, FAMILIAL; Hereditary breast cancer. Identifiers: Orphanet 227535, MedGen C0346153, MONDO:0016419, OMIM 114480. Disease mechanism: loss of function.
Pancreatic cancer, susceptibility to, 3. Identifiers: Orphanet 1333, MedGen C3150547, MONDO:0013236, OMIM 613348.

Submissions (7):

Labcorp Genetics (formerly Invitae), Labcorp
Classification: Likely pathogenic for Familial cancer of breast. Last evaluated: 2025-09-13. Review status: criteria provided, single submitter. Criteria: Invitae Variant Classification Sherloc (09022015). Collection method: clinical testing. Allele origin: germline.
Comment: This sequence change affects an acceptor splice site in intron 10 of the PALB2 gene. It is expected to disrupt RNA splicing. Variants that disrupt the donor or acceptor splice site typically lead to a loss of protein function (PMID: 16199547), and loss-of-function variants in PALB2 are known to be pathogenic (PMID: 17200668, 17200671, 17200672, 24136930, 25099575). This variant is not present in population databases (gnomAD no frequency). Disruption of this splice site has been observed in individual(s) with breast cancer and/or pancreatic cancer (PMID: 28825143, 32068069, 32339256, 33193564, 35171259). ClinVar contains an entry for this variant (Variation ID: 265552). Algorithms developed to predict the effect of sequence changes on RNA splicing suggest that this variant may disrupt the consensus splice site. In summary, the currently available evidence indicates that the variant is pathogenic, but additional data are needed to prove that conclusively. Therefore, this variant has been classified as Likely Pathogenic.

Quest Diagnostics Nichols Institute San Juan Capistrano
Classification: Pathogenic. Last evaluated: 2025-09-09. Review status: criteria provided, single submitter. Criteria: Quest Diagnostics criteria. Collection method: clinical testing. Allele origin: unknown.
Comment: The PALB2 c.3114-1G>A variant disrupts a canonical splice-acceptor site and interferes with normal PALB2 mRNA splicing. This variant has been reported in the published literature in individuals with breast cancer (PMID: 34439348 (2021), 33193564 (2020), 32339256 (2020), 32068069 (2020), 30720863 (2019), 28825143 (2017)) and pancreatic cancer (PMID: 35171259 (2022)). Assessment of experimental evidence suggests this variant results in abnormal RNA splicing (PMID: 30890586 (2019)). This variant has not been reported in large, multi-ethnic general populations (Genome Aggregation Database). Based on the available information, this variant is classified as pathogenic.

Ambry Genetics
Classification: Likely pathogenic for Hereditary cancer-predisposing syndrome. Last evaluated: 2024-12-16. Review status: criteria provided, single submitter. Criteria: Ambry Variant Classification Scheme 2023. Collection method: clinical testing. Allele origin: germline.
Comment: The c.3114-1G>A intronic variant results from a G to A substitution one nucleotide upstream from coding exon 11 of the PALB2 gene. This alteration has been detected in multiple Chinese breast cancer patients (Zhang K et al. Breast Cancer Res Treat, 2017 Dec;166:865-873; Deng M et al. Int J Cancer, 2019 09;145:1517-1528; Zhou J et al. Cancer, 2020 07;126:3202-3208; Kwong A et al. J Mol Diagn, 2020 04;22:544-554; Hu ZY et al. Front Genet, 2020 Aug;11:829). This nucleotide position is highly conserved in available vertebrate species. In silico splice site analysis predicts that this alteration will weaken the native splice acceptor site and will result in the creation or strengthening of a novel splice acceptor site. Alterations that disrupt the canonical splice site are expected to cause aberrant splicing, resulting in an abnormal protein or a transcript that is subject to nonsense-mediated mRNA decay. As such, this alteration is classified as likely pathogenic.

Myriad Genetics, Inc.
Classification: Likely pathogenic for Familial cancer of breast. Last evaluated: 2023-09-14. Review status: criteria provided, single submitter. Criteria: Myriad Autosomal Dominant, Autosomal Recessive and X-Linked Classification Criteria (2023). Collection method: clinical testing. Allele origin: unknown.
Comment: This variant is considered likely pathogenic. This variant occurs within a consensus splice junction and is predicted to result in abnormal mRNA splicing of either an out-of-frame exon or an in-frame exon necessary for protein stability and/or normal function.

GeneDx
Classification: Likely pathogenic. Last evaluated: 2023-07-28. Review status: criteria provided, single submitter. Criteria: GeneDx Variant Classification Process June 2021. Collection method: clinical testing. Allele origin: germline. Affected: yes.
Comment: Canonical splice site variant predicted to result in a null allele in a gene for which loss of function is a known mechanism of disease; Not observed at significant frequency in large population cohorts (gnomAD); Published functional studies demonstrate that variants affecting this canonical SAS lead to the deletion of exon 11 (Lopez-Perolio et al., 2019); This variant is associated with the following publications: (PMID: 33193564, 34439348, 30720863, 32068069, 32339256, 30890586, 28825143)

Baylor Genetics
Classification: Pathogenic for Familial cancer of breast. Last evaluated: 2022-11-22. Review status: criteria provided, single submitter. Criteria: ACMG Guidelines, 2015. Collection method: clinical testing. Allele origin: unknown.

Department of Pathology and Laboratory Medicine, Sinai Health System
Classification: Likely pathogenic for Pancreatic cancer, susceptibility to, 3. Last evaluated: 2019-11-26. Review status: criteria provided, single submitter. Criteria: ACMG Guidelines, 2015. Collection method: clinical testing. Allele origin: germline. Affected: yes.

Literature cited by the submitters: PubMed 16199547 (cited by Labcorp Genetics (formerly Invitae), Labcorp); PubMed 17200668 (cited by Labcorp Genetics (formerly Invitae), Labcorp); PubMed 17200671 (cited by Labcorp Genetics (formerly Invitae), Labcorp); PubMed 17200672 (cited by Labcorp Genetics (formerly Invitae), Labcorp); PubMed 24136930 (cited by Labcorp Genetics (formerly Invitae), Labcorp); PubMed 25099575 (cited by Labcorp Genetics (formerly Invitae), Labcorp); PubMed 28825143 (cited by 4 submitters); PubMed 32068069 (cited by 3 submitters); PubMed 32339256 (cited by 3 submitters); PubMed 33193564 (cited by 3 submitters); PubMed 35171259 (cited by Labcorp Genetics (formerly Invitae), Labcorp and Quest Diagnostics Nichols Institute San Juan Capistrano); PubMed 30720863 (cited by Quest Diagnostics Nichols Institute San Juan Capistrano and Ambry Genetics); PubMed 34439348 (cited by Quest Diagnostics Nichols Institute San Juan Capistrano); PubMed 30890586 (cited by Quest Diagnostics Nichols Institute San Juan Capistrano).